The following is an entry in ClinVar:

ClinVar aggregate classification (germline): Benign/Likely benign. Review status: criteria provided, multiple submitters, no conflicts (2 of 4 stars). 4 submissions from 2 submitters: Benign (3); Likely benign (1). Last evaluated 2018-08-14.

Conditions:
Distal spinal muscular atrophy. Also called: Distal hereditary motor neuropathy; Distal hereditary motor neuronopathy. Identifiers: Orphanet 53739, MedGen C0393541, MONDO:0018894.
Neuronopathy, distal hereditary motor, type 5A (HMND5). Also called: Distal Spinal Muscular Atrophy V; Distal Spinal Muscular Atrophy V (dSMA-V); NEURONOPATHY, DISTAL HEREDITARY MOTOR, AUTOSOMAL DOMINANT 5; DHMN VA. Identifiers: Orphanet 139536, MedGen CN031873, MONDO:0015353, OMIM 600794.
Charcot-Marie-Tooth disease type 2D (CMT2D). Also called: Charcot-Marie-Tooth Neuropathy Type 2D; GARS1 Adolescent- or Early Adult-Onset Hereditary Motor/Sensory Neuropathy (GARS1-HMSN); CHARCOT-MARIE-TOOTH DISEASE, AXONAL, TYPE 2D; CHARCOT-MARIE-TOOTH DISEASE, NEURONAL, TYPE 2D. Identifiers: Orphanet 99938, MedGen C1832274, MONDO:0011091, OMIM 601472.

Allele frequency attached by ClinVar (database versions not stated): gnomAD exomes 0.00043; gnomAD 0.00469 and 0.00506; 1000 Genomes Project 0.00519; TOPMed 0.00543; 1000 Genomes Project 30x 0.00547.
gnomAD v4.1: 1,341 of 1,563,174 alleles (0.086%); highest among the groups gnomAD compares: African/African-American, 1.6%; 10 homozygotes.

Submissions (4):

GeneDx
Classification: Likely benign. Last evaluated: 2018-08-14. Review status: criteria provided, single submitter. Criteria: GeneDx Variant Classification Process June 2021. Collection method: clinical testing. Allele origin: germline. Affected: yes.

Illumina Laboratory Services, Illumina
Classification: Benign for Charcot-Marie-Tooth disease type 2D. Last evaluated: 2018-01-13. Review status: criteria provided, single submitter. Criteria: ICSL Variant Classification Criteria 13 December 2019. Collection method: clinical testing. Allele origin: germline.
Comment: This variant was observed in the ICSL laboratory as part of a predisposition screen in an ostensibly healthy population. It had not been previously curated by ICSL or reported in the Human Gene Mutation Database (HGMD: prior to June 1st, 2018), and was therefore a candidate for classification through an automated scoring system. Utilizing variant allele frequency, disease prevalence and penetrance estimates, and inheritance mode, an automated score was calculated to assess if this variant is too frequent to cause the disease. Based on the score and internal cut-off values, a variant classified as benign is not then subjected to further curation. The score for this variant resulted in a classification of benign for this disease.

Illumina Laboratory Services, Illumina
Classification: Benign for Distal Spinal Muscular Atrophy. Last evaluated: 2018-01-13. Review status: criteria provided, single submitter. Criteria: ICSL Variant Classification Criteria 13 December 2019. Collection method: clinical testing. Allele origin: germline.
Comment: the same text as in the submission from Illumina Laboratory Services, Illumina above.

Illumina Laboratory Services, Illumina
Classification: Benign for Distal hereditary motor neuronopathy type 5. Last evaluated: 2018-01-13. Review status: criteria provided, single submitter. Criteria: ICSL Variant Classification Criteria 13 December 2019. Collection method: clinical testing. Allele origin: germline.
Comment: the same text as in the submission from Illumina Laboratory Services, Illumina above.

NM_002047.4(GARS1):c.*67C>G

Gene: GARS1 (glycyl-tRNA synthetase 1; plus strand). Cytogenetic location: 7p14.3.
Variant type: single nucleotide variant.
Coding change: c.*67C>G on transcript NM_002047.4 (MANE Select); 67 bases downstream of the stop codon, C replaced by G.
Molecular consequence: 3 prime UTR variant.
Genome position (GRCh38, 1-based): chr7:30,633,927, C>G. VCF-style: chr7-30633927-C-G. GRCh37 (hg19) VCF-style: chr7-30673543-C-G.
Other names: c.*67C>G (LRG_243t1, NM_001316772.1).
Identifiers: ClinVar variation 360023 (VCV000360023.7), dbSNP rs142498676, ClinGen allele CA10626002.